The following is an entry in ClinVar:

ClinVar aggregate classification (germline): Pathogenic (1 of 4 stars; one submission).

Conditions:
Glycine encephalopathy. Also called: Nonketotic hyperglycinemia; Non-ketotic hyperglycinemia. Identifiers: Orphanet 407, MedGen C0751748, MONDO:0011612, HP:0008288.

Submission:

Labcorp Genetics (formerly Invitae), Labcorp
Classification: Pathogenic for Glycine encephalopathy. Last evaluated: 2022-09-27. Review status: criteria provided, single submitter. Criteria: Invitae Variant Classification Sherloc (09022015). Collection method: clinical testing. Allele origin: germline.
Comment: This sequence change creates a premature translational stop signal (p.His431Glnfs*8) in the GLDC gene. It is expected to result in an absent or disrupted protein product. Loss-of-function variants in GLDC are known to be pathogenic (PMID: 16601880). This variant is not present in population databases (gnomAD no frequency). This variant has not been reported in the literature in individuals affected with GLDC-related conditions. For these reasons, this variant has been classified as Pathogenic.

Literature cited by the submitters: PubMed 16601880.

NM_000170.3(GLDC):c.1293del (p.His431fs)

Gene: GLDC (glycine decarboxylase; minus strand). Cytogenetic location: 9p24.1.
Variant type: Deletion.
Coding change: c.1293del on transcript NM_000170.3 (MANE Select); coding-DNA position 1293, one base deleted (T; older notation c.1293delT).
Protein change: p.His431fs; shifts the reading frame from histidine 431.
Molecular consequence: frameshift variant.
Genome position (GRCh38, 1-based): chr9:6,592,959, A deleted on the plus strand (T on the coding strand, the reverse complement: GLDC is on the minus strand). VCF-style (leftmost placement, unchanged base first): chr9-6592958-CA-C. GRCh37 (hg19) VCF-style: chr9-6592958-CA-C.
Other names: short protein forms H431fs.
Identifiers: ClinVar variation 2031158 (VCV002031158.4), dbSNP rs2489085309, ClinGen allele CA2580080256.